The following is an entry in ClinVar:

ClinVar aggregate classification (germline): Benign/Likely benign. Review status: criteria provided, multiple submitters, no conflicts (2 of 4 stars). 3 submissions from 3 submitters: Benign (1); Likely benign (1). 1 of the submissions does not count toward it. Last evaluated 2025-12-03.

Conditions:
CPE-related disorder. Also called: CPE-related condition.

Allele frequency attached by ClinVar (database versions not stated): 1000 Genomes Project 30x 0.00016; 1000 Genomes Project 0.00020; ESP Exome Variant Server 0.00038; gnomAD 0.00040 and 0.00041; gnomAD exomes 0.00040 and 0.00070; TOPMed 0.00043; ExAC 0.00066.
gnomAD v4.1: 669 of 1,614,140 alleles (0.041%); highest among the groups gnomAD compares: Middle Eastern, 0.46%; 3 homozygotes.

Submissions (3):

Labcorp Genetics (formerly Invitae), Labcorp
Classification: Benign. Last evaluated: 2025-12-03. Review status: criteria provided, single submitter. Criteria: Invitae Variant Classification Sherloc (09022015). Collection method: clinical testing. Allele origin: germline.

Blueprint Genetics
Classification: Likely benign. Last evaluated: 2024-11-26. Review status: criteria provided, single submitter. Criteria: ACMG Guidelines, 2015. Collection method: clinical testing. Allele origin: germline.

PreventionGenetics, part of Exact Sciences
Classification: Benign for CPE-related condition. Last evaluated: 2019-12-06. Review status: no assertion criteria provided. Collection method: clinical testing. Allele origin: germline. Not counted in ClinVar's aggregate classification.
Comment: This variant is classified as benign based on ACMG/AMP sequence variant interpretation guidelines (Richards et al. 2015 PMID: 25741868, with internal and published modifications).

NM_001873.4(CPE):c.1177A>G (p.Ile393Val)

Gene: CPE (carboxypeptidase E; plus strand). Cytogenetic location: 4q32.3.
Variant type: single nucleotide variant.
Coding change: c.1177A>G on transcript NM_001873.4 (MANE Select); coding-DNA position 1177, A replaced by G.
Protein change: p.Ile393Val; replaces isoleucine 393 with valine.
Molecular consequence: missense variant.
Genome position (GRCh38, 1-based): chr4:165,493,234, A>G. VCF-style: chr4-165493234-A-G. GRCh37 (hg19) VCF-style: chr4-166414386-A-G.
Other names: c.1177A>G (NM_001873.3); short protein forms I393V.
Identifiers: ClinVar variation 1607228 (VCV001607228.11), dbSNP rs144687736, ClinGen allele CA3130390.